The following is an entry in ClinVar:

ClinVar aggregate classification (germline): Pathogenic (1 of 4 stars; one submission).

Conditions:
Progressive myoclonic epilepsy type 3. Also called: EPILEPSY, PROGRESSIVE MYOCLONIC, 3, WITHOUT INTRACELLULAR INCLUSIONS; KCTD7-Related Progressive Myoclonic Epilepsy; EPILEPSY, PROGRESSIVE MYOCLONIC, 3, WITH OR WITHOUT INTRACELLULAR INCLUSIONS; CEROID LIPOFUSCINOSIS, NEURONAL, 14. Identifiers: Orphanet 263516, MedGen C2673257, MONDO:0012721, OMIM 611726.

Submission:

Labcorp Genetics (formerly Invitae), Labcorp
Classification: Pathogenic for Progressive myoclonic epilepsy type 3. Last evaluated: 2023-10-27. Review status: criteria provided, single submitter. Criteria: Invitae Variant Classification Sherloc (09022015). Collection method: clinical testing. Allele origin: unknown.
Comment: This variant results in the deletion of exon 1 and part of exon 2 (c.-25553_171del) of the KCTD7 gene. It is expected to result in an absent or disrupted protein product. Loss-of-function variants in KCTD7 are known to be pathogenic (PMID: 22693283). This variant has not been reported in the literature in individuals affected with KCTD7-related conditions. For these reasons, this variant has been classified as Pathogenic.

Literature cited by the submitters: PubMed 22693283.

NC_000007.13:g.(?_66068499)_(66098288_?)del

Gene: KCTD7 (potassium channel tetramerization domain containing 7; plus strand). Cytogenetic location: 7q11.21.
Variant type: Deletion.
Identifiers: ClinVar variation 3245776 (VCV003245776.1).